The following is an entry in ClinVar:

ClinVar aggregate classification (germline): Uncertain significance. Review status: criteria provided, multiple submitters, no conflicts (2 of 4 stars). 3 submissions from 3 submitters: Uncertain significance (3). Last evaluated 2025-02-04.

Conditions:
SRP72-related disorder. Also called: SRP72-related condition.

Allele frequency attached by ClinVar (database versions not stated): TOPMed below 0.00001; ExAC 0.00001; gnomAD exomes 0.00001.
gnomAD v4.1: 9 of 1,613,924 alleles (0.00056%); highest among the groups gnomAD compares: South Asian, 0.0033%; no homozygotes.

Submissions (3):

Ambry Genetics
Classification: Uncertain significance. Last evaluated: 2025-02-04. Review status: criteria provided, single submitter. Criteria: Ambry Variant Classification Scheme 2023. Collection method: clinical testing. Allele origin: germline.
Comment: The p.R462Q variant (also known as c.1385G>A), located in coding exon 14 of the SRP72 gene, results from a G to A substitution at nucleotide position 1385. The arginine at codon 462 is replaced by glutamine, an amino acid with highly similar properties. This amino acid position is conserved. In addition, the in silico prediction for this alteration is inconclusive. Based on the available evidence, the clinical significance of this variant remains unclear.

PreventionGenetics, part of Exact Sciences
Classification: Uncertain significance for SRP72-related condition. Last evaluated: 2023-07-12. Review status: criteria provided, single submitter. Criteria: ACMG Guidelines, 2015. Collection method: clinical testing. Allele origin: germline.
Comment: The SRP72 c.1385G>A variant is predicted to result in the amino acid substitution p.Arg462Gln. To our knowledge, this variant has not been reported in the literature. This variant is reported in 0.0033% of alleles in individuals of South Asian descent in gnomAD. At this time, the clinical significance of this variant is uncertain due to the absence of conclusive functional and genetic evidence.

GeneDx
Classification: Uncertain significance. Last evaluated: 2023-05-15. Review status: criteria provided, single submitter. Criteria: GeneDx Variant Classification Process June 2021. Collection method: clinical testing. Allele origin: germline. Affected: yes.
Comment: Has not been previously published as pathogenic or benign to our knowledge; Not observed at significant frequency in large population cohorts (gnomAD); In silico analysis supports that this missense variant does not alter protein structure/function

NM_006947.4(SRP72):c.1385G>A (p.Arg462Gln)

Gene: SRP72 (signal recognition particle 72; plus strand). Cytogenetic location: 4q12.
Variant type: single nucleotide variant.
Coding change: c.1385G>A on transcript NM_006947.4 (MANE Select); coding-DNA position 1385, G replaced by A.
Protein change: p.Arg462Gln; replaces arginine 462 with glutamine.
Molecular consequence: missense variant. On other transcripts: non-coding transcript variant (1).
Genome position (GRCh38, 1-based): chr4:56,490,397, G>A. VCF-style: chr4-56490397-G-A. GRCh37 (hg19) VCF-style: chr4-57356563-G-A.
Other names: c.1202G>A, p.Arg401Gln (NM_001267722.2); short protein forms R401Q, R462Q.
Identifiers: ClinVar variation 2629461 (VCV002629461.3), dbSNP rs780508672, ClinGen allele CA2931348.